The following is an entry in ClinVar:

ClinVar aggregate classification (germline): Uncertain significance (1 of 4 stars; one submission).

Allele frequency attached by ClinVar (database versions not stated): ExAC 0.00001; gnomAD 0.00001; gnomAD exomes 0.00001.
gnomAD v4.1: 4 of 1,614,022 alleles (0.00025%); highest among the groups gnomAD compares: Admixed American, 0.0017%; no homozygotes.

Submission:

Labcorp Genetics (formerly Invitae), Labcorp
Classification: Uncertain significance. Last evaluated: 2022-04-24. Review status: criteria provided, single submitter. Criteria: Invitae Variant Classification Sherloc (09022015). Collection method: clinical testing. Allele origin: germline.
Comment: In summary, the available evidence is currently insufficient to determine the role of this variant in disease. Therefore, it has been classified as a Variant of Uncertain Significance. Advanced modeling of protein sequence and biophysical properties (such as structural, functional, and spatial information, amino acid conservation, physicochemical variation, residue mobility, and thermodynamic stability) performed at Invitae indicates that this missense variant is not expected to disrupt MAK protein function. This variant has not been reported in the literature in individuals affected with MAK-related conditions. This variant is present in population databases (rs761897291, gnomAD 0.003%). This sequence change replaces asparagine, which is neutral and polar, with serine, which is neutral and polar, at codon 567 of the MAK protein (p.Asn567Ser).

NM_001242957.3(MAK):c.1700A>G (p.Asn567Ser)

Gene: MAK (male germ cell associated kinase; minus strand). Cytogenetic location: 6p24.2.
Variant type: single nucleotide variant.
Coding change: c.1700A>G on transcript NM_001242957.3 (MANE Select); coding-DNA position 1700, A replaced by G.
Protein change: p.Asn567Ser; replaces asparagine 567 with serine.
Molecular consequence: missense variant. On other transcripts: non-coding transcript variant (2), intron variant (2).
Genome position (GRCh38, 1-based): chr6:10,770,203, T>C on the plus strand (A>G on the coding strand, the complement: MAK is on the minus strand). VCF-style: chr6-10770203-T-C. GRCh37 (hg19) VCF-style: chr6-10770436-T-C.
Other names: c.1625A>G, p.Asn542Ser (NM_005906.6); c.1495+5125A>G (NM_001377262.1); c.1597+5125A>G (NM_001242385.2); short protein forms N542S, N567S.
Identifiers: ClinVar variation 1461837 (VCV001461837.4), dbSNP rs761897291, ClinGen allele CA3633367.